The following is an entry in ClinVar:

NM_014244.5(ADAMTS2):c.104_105insACTCA (p.Asn36fs)

Gene: ADAMTS2 (ADAM metallopeptidase with thrombospondin type 1 motif 2; minus strand). Cytogenetic location: 5q35.3.
Variant type: Insertion.
Coding change: c.104_105insACTCA on transcript NM_014244.5 (MANE Select); coding-DNA positions 104 to 105, ACTCA inserted.
Protein change: p.Asn36fs; shifts the reading frame from asparagine 36.
Molecular consequence: frameshift variant.
Genome position: GRCh38 VCF-style: chr5-179345224-C-CTGAGT. GRCh37 (hg19) VCF-style: chr5-178772225-C-CTGAGT.
Other names: c.104_105insACTCA, p.Asn36fs (NM_021599.4); short protein forms N36fs.
Identifiers: ClinVar variation 5010873 (VCV005010873.1).

ClinVar aggregate classification (germline): Pathogenic (1 of 4 stars; one submission).

Conditions:
Ehlers-Danlos syndrome, dermatosparaxis type. Also called: EDS VIIC; Dermatosparaxis; Ehlers-Danlos syndrome, type VII, autosomal recessive. Identifiers: Orphanet 1901, MedGen C2700425, MONDO:0009161, OMIM 225410.

Submission:

Myriad Genetics, Inc.
Classification: Pathogenic for Ehlers-Danlos syndrome, dermatosparaxis type. Last evaluated: 2024-05-14. Review status: criteria provided, single submitter. Criteria: Myriad Autosomal Dominant, Autosomal Recessive and X-Linked Classification Criteria (2023). Collection method: clinical testing. Allele origin: unknown.
Comment: NM_014244.4(ADAMTS2):c.104_105ins5(N36Lfs*131) is expected to be pathogenic in the context of Ehlers-Danlos syndrome, ADAMTS2-related. This variant is predicted to lead to an abnormal or absent protein product due to the creation of a premature termination codon in ADAMTS2, a gene where loss-of-function variants are known to be pathogenic. Please note: this variant was assessed in the context of healthy population screening.